The following is an entry in ClinVar:

NM_000260.4(MYO7A):c.4411T>C (p.Ser1471Pro)

Gene: MYO7A (myosin VIIA; plus strand). Cytogenetic location: 11q13.5.
Variant type: single nucleotide variant.
Coding change: c.4411T>C on transcript NM_000260.4 (MANE Select); coding-DNA position 4411, T replaced by C.
Protein change: p.Ser1471Pro; replaces serine 1471 with proline.
Molecular consequence: missense variant.
Genome position (GRCh38, 1-based): chr11:77,197,568, T>C. VCF-style: chr11-77197568-T-C. GRCh37 (hg19) VCF-style: chr11-76908613-T-C.
Other names: c.4411T>C, p.Ser1471Pro (NM_001127180.2); c.4378T>C, p.Ser1460Pro (NM_001369365.1); short protein forms S1471P, S1460P.
Identifiers: ClinVar variation 43239 (VCV000043239.15), dbSNP rs397516310, ClinGen allele CA278667.

ClinVar aggregate classification (germline): Pathogenic/Likely pathogenic. Review status: criteria provided, multiple submitters, no conflicts (2 of 4 stars). 4 submissions from 4 submitters: Pathogenic (2); Likely pathogenic (2). Last evaluated 2024-08-07.

Conditions:
Inborn genetic diseases. Identifiers: MedGen C0950123, MeSH D030342.
Rare genetic deafness. Identifiers: Orphanet 96210, MedGen C5680250.
Usher syndrome type 1B (USH1B). Also called: Usher syndrome type IB. Identifiers: MedGen C1848638, MONDO:0700087.

Allele frequency attached by ClinVar (database versions not stated): gnomAD exomes below 0.00001; TOPMed 0.00001.
gnomAD v4.1: 2 of 1,603,988 alleles (0.00012%); highest among the groups gnomAD compares: Non-Finnish European, 0.00017%; no homozygotes.

Submissions (4):

Ambry Genetics
Classification: Pathogenic for Inborn genetic diseases. Last evaluated: 2024-08-07. Review status: criteria provided, single submitter. Criteria: Ambry Variant Classification Scheme 2023. Collection method: clinical testing. Allele origin: germline.
Comment: The c.4411T>C (p.S1471P) alteration is located in exon 33 (coding exon 32) of the MYO7A gene. This alteration results from a T to C substitution at nucleotide position 4411, causing the serine (S) at amino acid position 1471 to be replaced by a proline (P). for autosomal recessive Usher syndrome type I; however, its clinical significance for autosomal dominant and autosomal recessive MYO7A-related nonsyndromic hearing loss is uncertain This variant was not reported in population-based cohorts in the Genome Aggregation Database (gnomAD). This variant has been identified in the homozygous state and/or in conjunction with other MYO7A variants in individuals with a clinical diagnosis or suspected diagnosis of Usher syndrome; in at least one instance, the variants were identified in trans (Sodi, 2014; Bonnet, 2016; Sodi, 2018; Frustaci, 2021). This amino acid position is highly conserved in available vertebrate species. This alteration is predicted to be deleterious by in silico analysis. Based on the available evidence, this alteration is classified as pathogenic.

Labcorp Genetics (formerly Invitae), Labcorp
Classification: Pathogenic. Last evaluated: 2024-07-29. Review status: criteria provided, single submitter. Criteria: Invitae Variant Classification Sherloc (09022015). Collection method: clinical testing. Allele origin: germline.
Comment: This sequence change replaces serine, which is neutral and polar, with proline, which is neutral and non-polar, at codon 1471 of the MYO7A protein (p.Ser1471Pro). This variant is not present in population databases (gnomAD no frequency). This missense change has been observed in individuals with Usher syndrome (PMID: 25558175, 33835720; Invitae). ClinVar contains an entry for this variant (Variation ID: 43239). Advanced modeling of protein sequence and biophysical properties (such as structural, functional, and spatial information, amino acid conservation, physicochemical variation, residue mobility, and thermodynamic stability) performed at Invitae indicates that this missense variant is expected to disrupt MYO7A protein function with a positive predictive value of 95%. For these reasons, this variant has been classified as Pathogenic.

Natera, Inc.
Classification: Likely pathogenic for Usher syndrome type 1B. Last evaluated: 2024-04-26. Review status: criteria provided, single submitter. Criteria: Natera Variant Classification Schema (03/2026). Collection method: clinical testing. Allele origin: germline.
Comment: The c.4411T>C variant in MYO7A is a missense variant predicted to cause substitution of serine to proline at amino acid 1471. This variant is rare in the general population with a frequency below the threshold expected for the associated phenotype(s). This variant has been observed in one or more individuals affected with the associated recessive disease, as either homozygous or compound heterozygous with a second variant (PMID: 25558175, 27460420, 33835720, 34948090). Computational prediction algorithms indicate this variant is likely to affect gene or protein function. Given the available evidence, this variant is classified as Likely Pathogenic.

Laboratory for Molecular Medicine, Mass General Brigham Personalized Medicine
Classification: Likely pathogenic for Rare genetic deafness. Last evaluated: 2012-03-13. Review status: criteria provided, single submitter. Criteria: LMM Criteria. Collection method: clinical testing. Allele origin: germline. Inheritance: Autosomal recessive inheritance. Observed: 3 variant alleles.
Comment: The Ser1471Pro variant in MYO7A has not been reported in the literature and was absent from >8,000 European American chromosomes from a broad population by the NHLBI Exome Sequencing Project. However, it has previously been identified in trans with a pathogenic allele in two siblings with Usher Syndrome by our laboratory. In summary, this variant is likely patho genic, though additional studies are required to fully establish its clinical si gnificance.

Literature cited by the submitters: PubMed 25558175 (cited by 3 submitters); PubMed 27460420 (cited by Ambry Genetics and Natera, Inc.); PubMed 28604982 (cited by Ambry Genetics); PubMed 33835720 (cited by 3 submitters); PubMed 34948090 (cited by Natera, Inc.).